The following is an entry in ClinVar:

ClinVar aggregate classification (germline): Uncertain significance (1 of 4 stars; one submission).

gnomAD v4.1: 6 of 1,535,968 alleles (0.00039%); highest among the groups gnomAD compares: East Asian, 0.0024%; no homozygotes.

Submission:

Dasa
Classification: Uncertain significance. Last evaluated: 2025-02-18. Review status: criteria provided, single submitter. Criteria: DASA Assertion Criteria. Collection method: clinical testing. Allele origin: germline.
Comment: NM_001281740.3(FHOD3):c.1511G>C (p.Gly504Ala) is a missense variant that results in the substitution of glycine with alanine. This variant is rare in population databases. Computational prediction algorithms are consistent with a benign effect. The currently available literature and clinical evidence are not sufficient to establish a definitive association between this variant and the reported condition. Therefore, this variant is classified as a variant of uncertain significance.

NM_001281740.3(FHOD3):c.1511G>C (p.Gly504Ala)

Gene: FHOD3 (formin homology 2 domain containing 3; plus strand). Cytogenetic location: 18q12.2.
Variant type: single nucleotide variant.
Coding change: c.1511G>C on transcript NM_001281740.3 (MANE Select); coding-DNA position 1511, G replaced by C.
Protein change: p.Gly504Ala; replaces glycine 504 with alanine.
Molecular consequence: missense variant. On other transcripts: intron variant (2).
Genome position (GRCh38, 1-based): chr18:36,652,794, G>C. VCF-style: chr18-36652794-G-C. GRCh37 (hg19) VCF-style: chr18-34232757-G-C.
Other names: c.1197-5281G>C (NM_025135.5, NM_001281739.3); short protein forms G504A.
Identifiers: ClinVar variation 4886056 (VCV004886056.2).